The following is an entry in ClinVar:

ClinVar aggregate classification (germline): Benign (1 of 4 stars; one submission).

gnomAD v4.1: 477 of 1,590,768 alleles (0.03%); highest among the groups gnomAD compares: South Asian, 0.51%; 4 homozygotes.

Submissions (2):

Women's Health and Genetics/Laboratory Corporation of America, LabCorp
Classification: Benign. Last evaluated: 2025-09-03. Review status: criteria provided, single submitter. Criteria: LabCorp Variant Classification Summary - May 2015. Collection method: clinical testing. Allele origin: germline.
Comment: Variant summary: PTPN22 c.2134+1G>T is located in a canonical splice-site and is predicted to affect mRNA splicing resulting in a significantly altered protein due to either exon skipping, shortening, or inclusion of intronic material. Variants that disrupt the consensus splice site are a relatively common cause of aberrant splicing, however current evidence is not sufficient to establish loss of function as a mechanism for disease. Several computational tools predict a significant impact on normal splicing: Three predict the variant abolishes a canonical 5' splicing donor site. However, these predictions have yet to be confirmed by functional studies. The variant allele was found at a frequency of 0.0003 in 1590768 control chromosomes, predominantly at a frequency of 0.0051 within the South Asian subpopulation in the gnomAD database, including 4 homozygotes. The observed variant frequency within South Asian control individuals in the gnomAD database exceeds the estimated maximal expected allele frequency for disease-causing variants in PTPN22. To our knowledge, no occurrence of c.2134+1G>T in individuals affected with PTPN22-related conditions and no experimental evidence demonstrating its impact on protein function have been reported. No submitters have cited clinical-significance assessments for this variant to ClinVar. Based on the evidence outlined above, the variant was classified as benign.

Dr. Peter K. Rogan Lab, Western University
No classification provided (evidence only). Condition: Gastric cancer. Review status: no classification provided. Collection method: in vitro. Allele origin: not applicable. Functional consequence: retained intron. Not counted in ClinVar's aggregate classification.

NM_015967.8(PTPN22):c.2134+1G>T

Genes: AP4B1-AS1 (AP4B1 antisense RNA 1; plus strand), PTPN22 (protein tyrosine phosphatase non-receptor type 22; minus strand). Cytogenetic location: 1p13.2.
Variant type: single nucleotide variant.
Coding change: c.2134+1G>T on transcript NM_015967.8 (MANE Select); the canonical splice donor site of the intron after coding-DNA position 2134, G replaced by T.
Molecular consequence: splice donor variant.
Genome position (GRCh38, 1-based): chr1:113,829,948, C>A on the plus strand (G>T on the coding strand, the complement: PTPN22 is on the minus strand). VCF-style: chr1-113829948-C-A. GRCh37 (hg19) VCF-style: chr1-114372570-C-A.
Other names: NC_000001.10:g.114372570C>A; c.2062+1G>T (NM_001308297.2); c.1969+1G>T (NM_012411.6); c.2050+1G>T (NM_001193431.3).
Identifiers: ClinVar variation 4411710 (VCV004411710.2).
Genomic context (GRCh38, chr1:113,829,948, plus strand): 5'-TTGTTAATCTTTTAACATTTTCATTTTTATGATTTTTTTGAGAGAAAGTGCTACCACTTA[C>A]AATCTTCATCGGCAAGAAAGAAGGACTCTAGAGTTCTTTCTGGGAGAGGAGGTGGGGGAG-3'